The following is an entry in ClinVar:

NM_005908.4(MANBA):c.*8T>G

Gene: MANBA (mannosidase beta; minus strand). Cytogenetic location: 4q24.
Variant type: single nucleotide variant.
Coding change: c.*8T>G on transcript NM_005908.4 (MANE Select); 8 bases downstream of the stop codon, T replaced by G.
Molecular consequence: 3 prime UTR variant.
Genome position (GRCh38, 1-based): chr4:102,632,049, A>C on the plus strand (T>G on the coding strand, the complement: MANBA is on the minus strand). VCF-style: chr4-102632049-A-C. GRCh37 (hg19) VCF-style: chr4-103553206-A-C.
Identifiers: ClinVar variation 347076 (VCV000347076.12), dbSNP rs199881261, ClinGen allele CA3026581.

ClinVar aggregate classification (germline): Conflicting classifications of pathogenicity. Review status: criteria provided, conflicting classifications (1 of 4 stars). 4 submissions from 4 submitters: Uncertain significance (1); Likely benign (1). 2 of the submissions do not count toward it. Last evaluated 2024-11-21.

Conditions:
MANBA-related disorder. Also called: MANBA-related condition.
Beta-D-mannosidosis (MANSB). Also called: LYSOSOMAL BETA-MANNOSIDASE DEFICIENCY; MANNOSIDOSIS, BETA A, LYSOSOMAL; BETA-MANNOSIDASE DEFICIENCY; Beta-Mannosidosis. Identifiers: Orphanet 118, MedGen C4048196, MONDO:0009562, OMIM 248510.

Allele frequency attached by ClinVar (database versions not stated): 1000 Genomes Project 30x 0.00031; 1000 Genomes Project 0.00040; ExAC 0.00055; gnomAD exomes 0.00064 and 0.00089; gnomAD 0.00068 and 0.00070; TOPMed 0.00075; ESP Exome Variant Server 0.00077.
gnomAD v4.1: 1,365 of 1,573,682 alleles (0.087%); highest among the groups gnomAD compares: Non-Finnish European, 0.1%; 2 homozygotes.

Submissions (4):

Blueprint Genetics
Classification: Likely benign. Last evaluated: 2024-11-21. Review status: criteria provided, single submitter. Criteria: ACMG Guidelines, 2015. Collection method: clinical testing. Allele origin: germline.

Illumina Laboratory Services, Illumina
Classification: Uncertain significance for Beta-D-mannosidosis. Last evaluated: 2018-01-12. Review status: criteria provided, single submitter. Criteria: ICSL Variant Classification Criteria 13 December 2019. Collection method: clinical testing. Allele origin: germline.

PreventionGenetics, part of Exact Sciences
Classification: Likely benign for MANBA-related condition. Last evaluated: 2024-01-31. Review status: no assertion criteria provided. Collection method: clinical testing. Allele origin: germline. Not counted in ClinVar's aggregate classification.
Comment: This variant is classified as likely benign based on ACMG/AMP sequence variant interpretation guidelines (Richards et al. 2015 PMID: 25741868, with internal and published modifications).

Mayo Clinic Laboratories, Mayo Clinic
Classification: Likely benign. Last evaluated: 2018-01-05. Review status: no assertion criteria provided. Collection method: clinical testing. Allele origin: unknown. Not counted in ClinVar's aggregate classification.